The following is an entry in ClinVar:

NM_201596.3(CACNB2):c.1531C>A (p.Arg511Ser)

Gene: CACNB2 (calcium voltage-gated channel auxiliary subunit beta 2; plus strand). Cytogenetic location: 10p12.31.
Variant type: single nucleotide variant.
Coding change: c.1531C>A on transcript NM_201596.3 (MANE Select); coding-DNA position 1531, C replaced by A.
Protein change: p.Arg511Ser; replaces arginine 511 with serine.
Molecular consequence: missense variant.
Genome position (GRCh38, 1-based): chr10:18,539,272, C>A. VCF-style: chr10-18539272-C-A. GRCh37 (hg19) VCF-style: chr10-18828201-C-A.
Other names: c.1366C>A, p.Arg456Ser (NM_000724.4); c.1333C>A, p.Arg445Ser (NM_001167945.2); c.1252C>A, p.Arg418Ser (NM_001330060.2); c.1273C>A, p.Arg425Ser (NM_001410882.1); c.1387C>A, p.Arg463Ser (NM_201570.3); c.1447C>A, p.Arg483Ser (NM_201571.4); c.1375C>A, p.Arg459Ser (NM_201572.4); c.1369C>A, p.Arg457Ser (NM_201590.3); and 2 more; short protein forms R483S, R425S, R511S, R456S, R457S, R418S, R445S, R459S.
Identifiers: ClinVar variation 4613790 (VCV004613790.2).

ClinVar aggregate classification (germline): Uncertain significance. Review status: criteria provided, multiple submitters, no conflicts (2 of 4 stars). 2 submissions from 2 submitters: Uncertain significance (2). Last evaluated 2025-12-11.

Conditions:
Brugada syndrome 4 (BRGDA4). Identifiers: Orphanet 130, MedGen C2678477, MONDO:0012743, OMIM 611876.
Cardiovascular phenotype. Identifiers: MedGen CN230736.

gnomAD v4.1: 2 of 1,613,818 alleles (0.00012%); highest among the groups gnomAD compares: Admixed American, 0.0033%; no homozygotes.

Submissions (2):

Ambry Genetics
Classification: Uncertain significance for Cardiovascular phenotype. Last evaluated: 2025-12-11. Review status: criteria provided, single submitter. Criteria: Ambry Variant Classification Scheme 2023. Collection method: clinical testing. Allele origin: germline.
Comment: The p.R457S variant (also known as c.1369C>A), located in coding exon 13 of the CACNB2 gene, results from a C to A substitution at nucleotide position 1369. The arginine at codon 457 is replaced by serine, an amino acid with dissimilar properties. This amino acid position is conserved. In addition, the in silico prediction for this alteration is inconclusive. Based on the available evidence, the clinical significance of this variant remains unclear.

Labcorp Genetics (formerly Invitae), Labcorp
Classification: Uncertain significance for Brugada syndrome 4. Last evaluated: 2025-05-30. Review status: criteria provided, single submitter. Criteria: Invitae Variant Classification Sherloc (09022015). Collection method: clinical testing. Allele origin: germline.
Comment: This sequence change replaces arginine, which is basic and polar, with serine, which is neutral and polar, at codon 457 of the CACNB2 protein (p.Arg457Ser). The frequency data for this variant in the population databases is considered unreliable, as metrics indicate poor data quality at this position in the gnomAD database. This variant has not been reported in the literature in individuals affected with CACNB2-related conditions. Invitae Evidence Modeling of protein sequence and biophysical properties (such as structural, functional, and spatial information, amino acid conservation, physicochemical variation, residue mobility, and thermodynamic stability) indicates that this missense variant is not expected to disrupt CACNB2 protein function with a negative predictive value of 80%. In summary, the available evidence is currently insufficient to determine the role of this variant in disease. Therefore, it has been classified as a Variant of Uncertain Significance.